The following is an entry in ClinVar:

NM_001111.5(ADAR):c.2944G>A (p.Glu982Lys)

Gene: ADAR (adenosine deaminase RNA specific; minus strand). Cytogenetic location: 1q21.3.
Variant type: single nucleotide variant.
Coding change: c.2944G>A on transcript NM_001111.5 (MANE Select); coding-DNA position 2944, G replaced by A.
Protein change: p.Glu982Lys; replaces glutamic acid 982 with lysine.
Molecular consequence: missense variant.
Genome position (GRCh38, 1-based): chr1:154,588,200, C>T on the plus strand (G>A on the coding strand, the complement: ADAR is on the minus strand). VCF-style: chr1-154588200-C-T. GRCh37 (hg19) VCF-style: chr1-154560676-C-T.
Other names: c.2059G>A, p.Glu687Lys (NM_001025107.3, NM_001193495.2, NM_001365046.1 and 2 more transcripts); c.2971G>A, p.Glu991Lys (NM_001365045.1); c.1981G>A, p.Glu661Lys (NM_001365049.1); c.2866G>A, p.Glu956Lys (NM_015840.4); c.2809G>A, p.Glu937Lys (NM_015841.4); short protein forms E661K, E687K, E937K, E956K, E982K, E991K.
Identifiers: ClinVar variation 3762301 (VCV003762301.2).

ClinVar aggregate classification (germline): Uncertain significance (1 of 4 stars; one submission).

Conditions:
Symmetrical dyschromatosis of extremities (DSH). Also called: DYSCHROMATOSIS SYMMETRICA HEREDITARIA 1; RETICULATE ACROPIGMENTATION OF DOHI; SYMMETRIC DYSCHROMATOSIS OF THE EXTREMITIES; Dyschromatosis symmetrica hereditaria. Identifiers: Orphanet 41, MedGen C0406775, MONDO:0007483, OMIM 127400.
Aicardi-Goutieres syndrome 6 (AGS6). Identifiers: Orphanet 51, MedGen C3539013, MONDO:0014007, OMIM 615010.

Submission:

Labcorp Genetics (formerly Invitae), Labcorp
Classification: Uncertain significance for Aicardi-Goutieres syndrome 6; Symmetrical dyschromatosis of extremities. Last evaluated: 2024-01-29. Review status: criteria provided, single submitter. Criteria: Invitae Variant Classification Sherloc (09022015). Collection method: clinical testing. Allele origin: germline.
Comment: This sequence change replaces glutamic acid, which is acidic and polar, with lysine, which is basic and polar, at codon 982 of the ADAR protein (p.Glu982Lys). This variant is not present in population databases (gnomAD no frequency). This variant has not been reported in the literature in individuals affected with ADAR-related conditions. Advanced modeling of protein sequence and biophysical properties (such as structural, functional, and spatial information, amino acid conservation, physicochemical variation, residue mobility, and thermodynamic stability) performed at Invitae indicates that this missense variant is not expected to disrupt ADAR protein function with a negative predictive value of 80%. In summary, the available evidence is currently insufficient to determine the role of this variant in disease. Therefore, it has been classified as a Variant of Uncertain Significance.